The following is an entry in ClinVar:

ClinVar aggregate classification (germline): Likely benign (1 of 4 stars; one submission).

Allele frequency attached by ClinVar (database versions not stated): TOPMed 0.00012; gnomAD 0.00015; gnomAD exomes 0.00021; ExAC 0.00036; 1000 Genomes Project 0.00053; 1000 Genomes Project 30x 0.00083.
gnomAD v4.1: 251 of 1,209,479 alleles (0.021%); highest among the groups gnomAD compares: South Asian, 0.24%; 1 homozygote.

Submission:

CeGaT Center for Human Genetics Tuebingen
Classification: Likely benign. Last evaluated: 2022-09-01. Review status: criteria provided, single submitter. Criteria: CeGaT Center For Human Genetics Tuebingen Variant Classification Criteria Version 2. Collection method: clinical testing. Allele origin: germline. Affected: yes. Observed: 2 variant alleles.
Comment: ZNF81: BP4, BP7

NM_007137.5(ZNF81):c.216G>A (p.Lys72=)

Gene: ZNF81 (zinc finger protein 81; plus strand). Cytogenetic location: Xp11.23.
Variant type: single nucleotide variant.
Coding change: c.216G>A on transcript NM_007137.5 (MANE Select); coding-DNA position 216, G replaced by A.
Protein change: p.Lys72=; no amino-acid change (lysine 72 retained).
Molecular consequence: synonymous variant.
Genome position (GRCh38, 1-based): chrX:47,895,879, G>A. VCF-style: chrX-47895879-G-A. GRCh37 (hg19) VCF-style: chrX-47755278-G-A.
Other names: c.216G>A, p.Lys72= (NM_001378152.1, NM_001378153.1, NM_001378154.1 and 1 more transcripts).
Identifiers: ClinVar variation 2660436 (VCV002660436.24), dbSNP rs782802456, ClinGen allele CA10399845.
Genomic context (GRCh38, chrX:47,895,879, plus strand): 5'-AATTCTCTATCGTGTCCTGTTAACAGGGTTCGAAGTTCCTAAACCAGAGGTCATCTTCAA[G>A]TTGGAGCAAGGAGAGGGGCCATGGACATTGGAAGGGGAAGCCCCACATCAGAGCTGTTCA-3'
Protein context (NP_009068.2, residues 62-82): FEVPKPEVIF[Lys72=]LEQGEGPWTL